The following is an entry in ClinVar:

NM_005633.4(SOS1):c.821G>C (p.Ser274Thr)

Gene: SOS1 (SOS Ras/Rac guanine nucleotide exchange factor 1; minus strand). Cytogenetic location: 2p22.1.
Variant type: single nucleotide variant.
Coding change: c.821G>C on transcript NM_005633.4 (MANE Select); coding-DNA position 821, G replaced by C.
Protein change: p.Ser274Thr; replaces serine 274 with threonine.
Molecular consequence: missense variant.
Genome position (GRCh38, 1-based): chr2:39,051,187, C>G on the plus strand (G>C on the coding strand, the complement: SOS1 is on the minus strand). VCF-style: chr2-39051187-C-G. GRCh37 (hg19) VCF-style: chr2-39278328-C-G.
Other names: c.800G>C, p.Ser267Thr (NM_001382394.1); c.821G>C, p.Ser274Thr (NM_001382395.1); short protein forms S267T, S274T.
Identifiers: ClinVar variation 2507362 (VCV002507362.1), dbSNP rs2529154851, ClinGen allele CA346367635.
Genomic context (GRCh38, chr2:39,051,187, plus strand): 5'-ATAATTGAAGTACTTACCTCTGCTAAGTCTTCAAAGCAGCTTCCTACTAGTGGATGGGGA[C>G]TGCCTTCATCTGTCATTTCTACTGTATCTTCTATATGGCCCAGTAACTTTACACTAAGTT-3'
Protein context (NP_005624.2, residues 264-284): EDTVEMTDEG[Ser274Thr]PHPLVGSCFE

ClinVar aggregate classification (germline): Uncertain significance (1 of 4 stars; one submission).

Submission:

GeneDx
Classification: Uncertain significance. Last evaluated: 2022-12-31. Review status: criteria provided, single submitter. Criteria: GeneDx Variant Classification Process June 2021. Collection method: clinical testing. Allele origin: germline. Affected: yes.
Comment: Not observed at significant frequency in large population cohorts (gnomAD); Missense variants in this gene are often considered pathogenic (HGMD); In silico analysis supports that this missense variant does not alter protein structure/function; Has not been previously published as pathogenic or benign to our knowledge